The following is an entry in ClinVar:

NM_022489.4(INF2):c.3535A>G (p.Thr1179Ala)

Gene: INF2 (inverted formin 2; plus strand). Cytogenetic location: 14q32.33.
Variant type: single nucleotide variant.
Coding change: c.3535A>G on transcript NM_022489.4 (MANE Select); coding-DNA position 3535, A replaced by G.
Protein change: p.Thr1179Ala; replaces threonine 1179 with alanine.
Molecular consequence: missense variant.
Genome position (GRCh38, 1-based): chr14:104,714,697, A>G. VCF-style: chr14-104714697-A-G. GRCh37 (hg19) VCF-style: chr14-105181034-A-G.
Other names: c.3535A>G, p.Thr1179Ala (NM_001031714.4); short protein forms T1179A.
Identifiers: ClinVar variation 426793 (VCV000426793.12), dbSNP rs778879482, ClinGen allele CA7373296.

ClinVar aggregate classification (germline): Conflicting classifications of pathogenicity. Review status: criteria provided, conflicting classifications (1 of 4 stars). 4 submissions from 4 submitters: Uncertain significance (3); Likely benign (1). Last evaluated 2025-08-24.

Conditions:
Focal segmental glomerulosclerosis 5 (FSGS5). Identifiers: Orphanet 656, MedGen C2750475, MONDO:0013191, OMIM 613237.
Charcot-Marie-Tooth disease dominant intermediate E. Also called: CHARCOT-MARIE-TOOTH NEUROPATHY WITH FOCAL SEGMENTAL GLOMERULONEPHRITIS. Identifiers: Orphanet 93114, MedGen C4302667, MONDO:0013758, OMIM 614455.
Inborn genetic diseases. Identifiers: MedGen C0950123, MeSH D030342.

Allele frequency attached by ClinVar (database versions not stated): gnomAD exomes below 0.00001 and 0.00001; ExAC 0.00001; gnomAD 0.00001; TOPMed 0.00001.
gnomAD v4.1: 8 of 1,610,862 alleles (0.0005%); highest among the groups gnomAD compares: Non-Finnish European, 0.00059%; no homozygotes.

Submissions (4):

Labcorp Genetics (formerly Invitae), Labcorp
Classification: Likely benign for Charcot-Marie-Tooth disease dominant intermediate E; Focal segmental glomerulosclerosis 5. Last evaluated: 2025-08-24. Review status: criteria provided, single submitter. Criteria: Invitae Variant Classification Sherloc (09022015). Collection method: clinical testing. Allele origin: germline.

Fulgent Genetics
Classification: Uncertain significance for Focal segmental glomerulosclerosis 5; Charcot-Marie-Tooth disease dominant intermediate E. Last evaluated: 2021-08-02. Review status: criteria provided, single submitter. Criteria: ACMG Guidelines, 2015. Collection method: clinical testing. Allele origin: unknown.

Ambry Genetics
Classification: Uncertain significance for Inborn genetic diseases. Last evaluated: 2019-12-18. Review status: criteria provided, single submitter. Criteria: Ambry Variant Classification Scheme 2023. Collection method: clinical testing. Allele origin: germline.
Comment: The p.T1179A variant (also known as c.3535A>G), located in coding exon 20 of the INF2 gene, results from an A to G substitution at nucleotide position 3535. The threonine at codon 1179 is replaced by alanine, an amino acid with similar properties. This amino acid position is not well conserved in available vertebrate species. In addition, this alteration is predicted to be tolerated by in silico analysis. Since supporting evidence is limited at this time, the clinical significance of this alteration remains unclear.

GeneDx
Classification: Uncertain significance. Last evaluated: 2017-04-04. Review status: criteria provided, single submitter. Criteria: GeneDx Variant Classification (06012015). Collection method: clinical testing. Allele origin: germline. Affected: yes.
Comment: A variant of uncertain significance has been identified in the INF2 gene. The T1179A variant has not been published as a pathogenic variant, nor has it been reported as a benign variant to our knowledge. The T1179A variant is observed in 1/62,090 alleles from individuals of European background (Lek et al., 2016; 1000 Genomes Consortium et al., 2015; Exome Variant Server). The T1179A variant is a non-conservative amino acid substitution, which is likely to impact secondary protein structure as these residues differ in polarity, charge, size and/or other properties. However, this substitution occurs at a position that is not conserved. In silico analysis is inconsistent in its predictions as to whether or not the variant is damaging to the protein structure/function. Therefore, based on the currently available information, it is unclear whether this variant is a pathogenic variant or a rare benign variant.